The following is an entry in ClinVar:

NM_007294.4(BRCA1):c.5093A>C (p.Glu1698Ala)

Gene: BRCA1 (BRCA1 DNA repair associated; minus strand). Cytogenetic location: 17q21.31.
Variant type: single nucleotide variant.
Coding change: c.5093A>C on transcript NM_007294.4 (MANE Select); coding-DNA position 5093, A replaced by C.
Protein change: p.Glu1698Ala; replaces glutamic acid 1698 with alanine.
Molecular consequence: missense variant. On other transcripts: non-coding transcript variant (1).
Genome position (GRCh38, 1-based): chr17:43,063,933, T>G on the plus strand (A>C on the coding strand, the complement: BRCA1 is on the minus strand). VCF-style: chr17-43063933-T-G. GRCh37 (hg19) VCF-style: chr17-41215950-T-G.
Other names: c.4880A>C, p.Glu1627Ala (NM_001407571.1, NM_001407894.1, NM_001407895.1 and 12 more transcripts); c.5159A>C, p.Glu1720Ala (NM_001407581.1, NM_001407582.1); c.5156A>C, p.Glu1719Ala (NM_001407583.1, NM_001407585.1, NM_001407587.1 and 1 more transcripts); c.5153A>C, p.Glu1718Ala (NM_001407590.1, NM_001407591.1); c.5093A>C, p.Glu1698Ala (NM_001407593.1, NM_001407594.1, NM_001407596.1 and 7 more transcripts); c.5090A>C, p.Glu1697Ala (NM_001407616.1, NM_001407617.1, NM_001407618.1 and 17 more transcripts); c.5087A>C, p.Glu1696Ala (NM_001407635.1, NM_001407636.1, NM_001407637.1 and 14 more transcripts); c.5084A>C, p.Glu1695Ala (NM_001407644.1, NM_001407645.1); and 71 more; short protein forms E594A, E1698A, E1651A, E1719A, E1529A, E1544A, E1570A, E1586A.
Identifiers: ClinVar variation 868633 (VCV000868633.3), dbSNP rs2051929401, ClinGen allele CA10591339.

Conditions:
Breast-ovarian cancer, familial, susceptibility to, 1 (BROVCA1). Also called: BRCA1 Hereditary Breast and Ovarian Cancer; OVARIAN CANCER, SUSCEPTIBILITY TO. Identifiers: Orphanet 145, MedGen C2676676, MONDO:0011450, OMIM 604370. Disease mechanism: loss of function.

Submission:

Brotman Baty Institute, University of Washington
No classification provided (evidence only). Condition: Breast-ovarian cancer, familial 1. Review status: no classification provided. Collection method: in vitro. Allele origin: not applicable. Functional consequence: functionally_normal.
ClinVar note: "not provided" was previously submitted as the classification for the variant. However, the classification appeared to be based only on an observation of functional data so it was converted to no classification on 2025-07-30.